The following is an entry in ClinVar:

NM_005592.4(MUSK):c.253A>G (p.Thr85Ala)

Gene: MUSK (muscle associated receptor tyrosine kinase; plus strand). Cytogenetic location: 9q31.3.
Variant type: single nucleotide variant.
Coding change: c.253A>G on transcript NM_005592.4 (MANE Select); coding-DNA position 253, A replaced by G.
Protein change: p.Thr85Ala; replaces threonine 85 with alanine.
Molecular consequence: missense variant.
Genome position (GRCh38, 1-based): chr9:110,687,163, A>G. VCF-style: chr9-110687163-A-G. GRCh37 (hg19) VCF-style: chr9-113449443-A-G.
Other names: c.253A>G, p.Thr85Ala (NM_001166280.2, NM_001166281.2); short protein forms T85A.
Identifiers: ClinVar variation 1053250 (VCV001053250.8), dbSNP rs2131669584, ClinGen allele CA374664334.
Genomic context (GRCh38, chr9:110,687,163, plus strand): 5'-TCTGTGACCTGCAGACTCTTTGACACCCGGTACAGCATCCGGGAGAATGGGCAGCTCCTC[A>G]CCATCCTGAGTGTGGAAGACAGTGATGATGGCATTTACTGCTGCACGGCCAACAATGGTG-3'
Protein context (NP_005583.1, residues 75-95): YSIRENGQLL[Thr85Ala]ILSVEDSDDG

ClinVar aggregate classification (germline): Uncertain significance (1 of 4 stars; one submission).

Conditions:
Congenital myasthenic syndrome 9. Also called: Myasthenic syndrome, congenital, 9, associated with acetylcholine receptor deficiency. Identifiers: Orphanet 590, MedGen C4225368, MONDO:0014587, OMIM 616325.
Fetal akinesia deformation sequence 1 (FADS1). Also called: Pena-Shokeir syndrome type I; Fetal akinesia sequence. Identifiers: Orphanet 994, MedGen C1276035, MONDO:0100101, OMIM 208150, HP:0001989.

Submission:

Labcorp Genetics (formerly Invitae), Labcorp
Classification: Uncertain significance for Congenital myasthenic syndrome 9; Fetal akinesia deformation sequence 1. Last evaluated: 2024-09-05. Review status: criteria provided, single submitter. Criteria: Invitae Variant Classification Sherloc (09022015). Collection method: clinical testing. Allele origin: germline.
Comment: This sequence change replaces threonine, which is neutral and polar, with alanine, which is neutral and non-polar, at codon 85 of the MUSK protein (p.Thr85Ala). This variant is not present in population databases (gnomAD no frequency). This variant has not been reported in the literature in individuals affected with MUSK-related conditions. ClinVar contains an entry for this variant (Variation ID: 1053250). Invitae Evidence Modeling of protein sequence and biophysical properties (such as structural, functional, and spatial information, amino acid conservation, physicochemical variation, residue mobility, and thermodynamic stability) has been performed for this missense variant. However, the output from this modeling did not meet the statistical confidence thresholds required to predict the impact of this variant on MUSK protein function. In summary, the available evidence is currently insufficient to determine the role of this variant in disease. Therefore, it has been classified as a Variant of Uncertain Significance.